The following is an entry in ClinVar:

NM_145059.3(FCSK):c.2658C>T (p.Asp886=)

Gene: FCSK (fucose kinase; plus strand). Cytogenetic location: 16q22.1.
Variant type: single nucleotide variant.
Coding change: c.2658C>T on transcript NM_145059.3 (MANE Select); coding-DNA position 2658, C replaced by T.
Protein change: p.Asp886=; no amino-acid change (aspartic acid 886 retained).
Molecular consequence: synonymous variant.
Genome position (GRCh38, 1-based): chr16:70,478,288, C>T. VCF-style: chr16-70478288-C-T. GRCh37 (hg19) VCF-style: chr16-70512191-C-T.
Other names: c.2658C>T (NM_145059.2).
Identifiers: ClinVar variation 1682396 (VCV001682396.11), dbSNP rs8049046, ClinGen allele CA8143698.

ClinVar aggregate classification (germline): Benign. Review status: criteria provided, multiple submitters, no conflicts (2 of 4 stars). 3 submissions from 3 submitters: Benign (2). 1 of the submissions does not count toward it. Last evaluated 2026-01-28.

Conditions:
FCSK-related disorder. Also called: FCSK-related condition.

Allele frequency attached by ClinVar (database versions not stated): gnomAD exomes 0.01749; ExAC 0.02137; gnomAD 0.07214 and 0.07715; ESP Exome Variant Server 0.07380; TOPMed 0.07959; 1000 Genomes Project 0.08307; 1000 Genomes Project 30x 0.08869.
gnomAD v4.1: 21,383 of 1,613,918 alleles (1.3%); highest among the groups gnomAD compares: African/African-American, 25%; 2,506 homozygotes.

Submissions (3):

Labcorp Genetics (formerly Invitae), Labcorp
Classification: Benign. Last evaluated: 2026-01-28. Review status: criteria provided, single submitter. Criteria: Invitae Variant Classification Sherloc (09022015). Collection method: clinical testing. Allele origin: germline.

Breakthrough Genomics
Classification: Benign. Review status: criteria provided, single submitter. Criteria: ACMG Guidelines, 2015. Collection method: not provided. Allele origin: germline. Inheritance: Autosomal recessive inheritance. Affected: yes.

PreventionGenetics, part of Exact Sciences
Classification: Benign for FCSK-related condition. Last evaluated: 2019-06-03. Review status: no assertion criteria provided. Collection method: clinical testing. Allele origin: germline. Not counted in ClinVar's aggregate classification.
Comment: This variant is classified as benign based on ACMG/AMP sequence variant interpretation guidelines (Richards et al. 2015 PMID: 25741868, with internal and published modifications).